The following is an entry in ClinVar:

ClinVar aggregate classification (germline): Uncertain significance (1 of 4 stars; one submission).

Conditions:
Inborn genetic diseases. Identifiers: MedGen C0950123, MeSH D030342.

gnomAD v4.1: 5 of 1,613,866 alleles (0.00031%); highest among the groups gnomAD compares: Non-Finnish European, 0.00042%; no homozygotes.

Submission:

Ambry Genetics
Classification: Uncertain significance for Inborn genetic diseases. Last evaluated: 2025-05-21. Review status: criteria provided, single submitter. Criteria: Ambry Variant Classification Scheme 2023. Collection method: clinical testing. Allele origin: germline.
Comment: The p.V677A variant (also known as c.2030T>C), located in coding exon 23 of the FANCA gene, results from a T to C substitution at nucleotide position 2030. The valine at codon 677 is replaced by alanine, an amino acid with similar properties. This amino acid position is conserved. In addition, the in silico prediction for this alteration is inconclusive. Based on the available evidence, the clinical significance of this variant remains unclear.

NM_000135.4(FANCA):c.2030T>C (p.Val677Ala)

Gene: FANCA (FA complementation group A; minus strand). Cytogenetic location: 16q24.3.
Variant type: single nucleotide variant.
Coding change: c.2030T>C on transcript NM_000135.4 (MANE Select); coding-DNA position 2030, T replaced by C.
Protein change: p.Val677Ala; replaces valine 677 with alanine.
Molecular consequence: missense variant.
Genome position (GRCh38, 1-based): chr16:89,771,799, A>G on the plus strand (T>C on the coding strand, the complement: FANCA is on the minus strand). VCF-style: chr16-89771799-A-G. GRCh37 (hg19) VCF-style: chr16-89838207-A-G.
Other names: c.2030T>C, p.Val677Ala (NM_001286167.3); short protein forms V677A.
Identifiers: ClinVar variation 4022292 (VCV004022292.1).